The following is an entry in ClinVar:

NM_001206927.2(DNAH8):c.10437A>T (p.Lys3479Asn)

Genes: DNAH8 (dynein axonemal heavy chain 8; plus strand), DNAH8-AS1 (DNAH8 antisense RNA 1; minus strand). Cytogenetic location: 6p21.2.
Variant type: single nucleotide variant.
Coding change: c.10437A>T on transcript NM_001206927.2 (MANE Select); coding-DNA position 10437, A replaced by T.
Protein change: p.Lys3479Asn; replaces lysine 3479 with asparagine.
Molecular consequence: missense variant.
Genome position (GRCh38, 1-based): chr6:38,918,053, A>T. VCF-style: chr6-38918053-A-T. GRCh37 (hg19) VCF-style: chr6-38885829-A-T.
Other names: c.10437A>T (NM_001206927.1); c.9786A>T, p.Lys3262Asn (NM_001371.4); short protein forms K3479N, K3262N.
Identifiers: ClinVar variation 2143783 (VCV002143783.6), dbSNP rs377194021, ClinGen allele CA3790722.

ClinVar aggregate classification (germline): Uncertain significance. Review status: criteria provided, multiple submitters, no conflicts (2 of 4 stars). 2 submissions from 2 submitters: Uncertain significance (2). Last evaluated 2024-06-10.

Conditions:
Primary ciliary dyskinesia. Also called: Ciliary dyskinesia. Identifiers: Orphanet 244, MedGen C0008780, MONDO:0016575, HP:0012265.

Allele frequency attached by ClinVar (database versions not stated): gnomAD exomes below 0.00001; ExAC 0.00001; gnomAD 0.00003; ESP Exome Variant Server 0.00008.
gnomAD v4.1: 7 of 1,613,812 alleles (0.00043%); highest among the groups gnomAD compares: Admixed American, 0.0033%; no homozygotes.

Submissions (2):

Labcorp Genetics (formerly Invitae), Labcorp
Classification: Uncertain significance for Primary ciliary dyskinesia. Last evaluated: 2024-06-10. Review status: criteria provided, single submitter. Criteria: Invitae Variant Classification Sherloc (09022015). Collection method: clinical testing. Allele origin: germline.
Comment: This sequence change replaces lysine, which is basic and polar, with asparagine, which is neutral and polar, at codon 3479 of the DNAH8 protein (p.Lys3479Asn). The frequency data for this variant in the population databases is considered unreliable, as metrics indicate poor data quality at this position in the gnomAD database. This variant has not been reported in the literature in individuals affected with DNAH8-related conditions. ClinVar contains an entry for this variant (Variation ID: 2143783). Advanced modeling of protein sequence and biophysical properties (such as structural, functional, and spatial information, amino acid conservation, physicochemical variation, residue mobility, and thermodynamic stability) performed at Invitae indicates that this missense variant is not expected to disrupt DNAH8 protein function with a negative predictive value of 80%. In summary, the available evidence is currently insufficient to determine the role of this variant in disease. Therefore, it has been classified as a Variant of Uncertain Significance.

Ambry Genetics
Classification: Uncertain significance. Last evaluated: 2023-04-12. Review status: criteria provided, single submitter. Criteria: Ambry Variant Classification Scheme 2023. Collection method: clinical testing. Allele origin: germline.